The following is an entry in ClinVar:

ClinVar aggregate classification (germline): Uncertain significance (1 of 4 stars; one submission).

Conditions:
Melanoma, cutaneous malignant, susceptibility to, 5. Also called: Cutaneous malignant melanoma 5. Identifiers: Orphanet 618, MedGen C2751295, MONDO:0013133, OMIM 613099.

Allele frequency attached by ClinVar (database versions not stated): gnomAD exomes 0.00001 and 0.00004; ExAC 0.00003; gnomAD 0.00003 and 0.00004; TOPMed 0.00003.
gnomAD v4.1: 23 of 1,612,746 alleles (0.0014%); highest among the groups gnomAD compares: Admixed American, 0.037%; 1 homozygote.

Submission:

Labcorp Genetics (formerly Invitae), Labcorp
Classification: Uncertain significance for Melanoma, cutaneous malignant, susceptibility to, 5. Last evaluated: 2024-03-06. Review status: criteria provided, single submitter. Criteria: Invitae Variant Classification Sherloc (09022015). Collection method: clinical testing. Allele origin: germline.
Comment: This sequence change replaces tryptophan, which is neutral and slightly polar, with arginine, which is basic and polar, at codon 317 of the MC1R protein (p.Trp317Arg). This variant is present in population databases (rs762063106, gnomAD 0.03%). This variant has not been reported in the literature in individuals affected with MC1R-related conditions. ClinVar contains an entry for this variant (Variation ID: 658596). An algorithm developed to predict the effect of missense changes on protein structure and function (PolyPhen-2) suggests that this variant is likely to be disruptive. In summary, the available evidence is currently insufficient to determine the role of this variant in disease. Therefore, it has been classified as a Variant of Uncertain Significance.

NM_002386.4(MC1R):c.949T>C (p.Trp317Arg)

Gene: MC1R (melanocortin 1 receptor; plus strand). Cytogenetic location: 16q24.3.
Variant type: single nucleotide variant.
Coding change: c.949T>C on transcript NM_002386.4 (MANE Select); coding-DNA position 949, T replaced by C.
Protein change: p.Trp317Arg; replaces tryptophan 317 with arginine.
Molecular consequence: missense variant.
Genome position (GRCh38, 1-based): chr16:89,920,207, T>C. VCF-style: chr16-89920207-T-C. GRCh37 (hg19) VCF-style: chr16-89986615-T-C.
Other names: short protein forms W317R.
Identifiers: ClinVar variation 658596 (VCV000658596.8), dbSNP rs762063106, ClinGen allele CA8255824.
Genomic context (GRCh38, chr16:89,920,207, plus strand): 5'-ATCTACGCCTTCCACAGCCAGGAGCTCCGCAGGACGCTCAAGGAGGTGCTGACATGCTCC[T>C]GGTGAGCGCGGTGCACGCGGCTTTAAGTGTGCTGGGCAGAGGGAGGTGGTGATATTGTGT-3'
Protein context (NP_002377.4, residues 307-317): RTLKEVLTCS[Trp317Arg]